The following is an entry in ClinVar:

NM_020778.5(ALPK3):c.4819T>C (p.Phe1607Leu)

Gene: ALPK3 (alpha kinase 3; plus strand). Cytogenetic location: 15q25.3.
Variant type: single nucleotide variant.
Coding change: c.4819T>C on transcript NM_020778.5 (MANE Select); coding-DNA position 4819, T replaced by C.
Protein change: p.Phe1607Leu; replaces phenylalanine 1607 with leucine.
Molecular consequence: missense variant.
Genome position (GRCh38, 1-based): chr15:84,868,157, T>C. VCF-style: chr15-84868157-T-C. GRCh37 (hg19) VCF-style: chr15-85411388-T-C.
Other names: short protein forms F1607L.
Identifiers: ClinVar variation 4809276 (VCV004809276.1).
Genomic context (GRCh38, chr15:84,868,157, plus strand): 5'-CTGTCTGGCTGCAGATACCAGGGCCTCAAGGAAAGCTGCTTCCCTGCCCTGCTGGACCGG[T>C]TCGCCTCCTCCCACCAGTGCAATGCCTACTGTGAGCTGCTGGGGCTGACACCTCTCAAGG-3'
Protein context (NP_065829.4, residues 1597-1617): ESCFPALLDR[Phe1607Leu]ASSHQCNAYC

ClinVar aggregate classification (germline): Uncertain significance (1 of 4 stars; one submission).

Submission:

Labcorp Genetics (formerly Invitae), Labcorp
Classification: Uncertain significance. Last evaluated: 2025-04-17. Review status: criteria provided, single submitter. Criteria: Invitae Variant Classification Sherloc (09022015). Collection method: clinical testing. Allele origin: germline.
Comment: This sequence change replaces phenylalanine, which is neutral and non-polar, with leucine, which is neutral and non-polar, at codon 1809 of the ALPK3 protein (p.Phe1809Leu). This variant is not present in population databases (gnomAD no frequency). This variant has not been reported in the literature in individuals affected with ALPK3-related conditions. Invitae Evidence Modeling of protein sequence and biophysical properties (such as structural, functional, and spatial information, amino acid conservation, physicochemical variation, residue mobility, and thermodynamic stability) indicates that this missense variant is expected to disrupt ALPK3 protein function with a positive predictive value of 80%. In summary, the available evidence is currently insufficient to determine the role of this variant in disease. Therefore, it has been classified as a Variant of Uncertain Significance.